The following is an entry in ClinVar:

NM_003235.5(TG):c.5855G>A (p.Arg1952Gln)

Gene: TG (thyroglobulin; plus strand). Cytogenetic location: 8q24.22.
Variant type: single nucleotide variant.
Coding change: c.5855G>A on transcript NM_003235.5 (MANE Select); coding-DNA position 5855, G replaced by A.
Protein change: p.Arg1952Gln; replaces arginine 1952 with glutamine.
Molecular consequence: missense variant.
Genome position (GRCh38, 1-based): chr8:132,967,962, G>A. VCF-style: chr8-132967962-G-A. GRCh37 (hg19) VCF-style: chr8-133980207-G-A.
Other names: short protein forms R1952Q.
Identifiers: ClinVar variation 731564 (VCV000731564.36), dbSNP rs141191791, ClinGen allele CA4884640.

ClinVar aggregate classification (germline): Conflicting classifications of pathogenicity. Review status: criteria provided, conflicting classifications (1 of 4 stars). 6 submissions from 6 submitters: Uncertain significance (2); Likely benign (4). Last evaluated 2026-04-01.

Conditions:
Iodotyrosyl coupling defect (TDH3). Also called: HYPOTHYROIDISM, CONGENITAL, DUE TO DYSHORMONOGENESIS, 3; THYROID HORMONOGENESIS, GENETIC DEFECT IN, 3. Identifiers: Orphanet 95716, MedGen C0342194, MONDO:0010135, OMIM 274700.
TG-related disorder. Also called: TG-related disorders; TG-related condition.
Inborn genetic diseases. Identifiers: MedGen C0950123, MeSH D030342.

Allele frequency attached by ClinVar (database versions not stated): gnomAD exomes 0.00075 and 0.00168; TOPMed 0.00106; gnomAD 0.00115 and 0.00120; ExAC 0.00138; ESP Exome Variant Server 0.00138.
gnomAD v4.1: 1,364 of 1,613,346 alleles (0.085%); highest among the groups gnomAD compares: Non-Finnish European, 0.016%; 10 homozygotes.

Submissions (6):

CeGaT Center for Human Genetics Tuebingen
Classification: Likely benign. Last evaluated: 2026-04-01. Review status: criteria provided, single submitter. Criteria: CeGaT Center For Human Genetics Tuebingen Variant Classification Criteria Version 2. Collection method: clinical testing. Allele origin: germline. Affected: yes. Observed: 3 variant alleles.
Comment: TG: BP4, BS2

Labcorp Genetics (formerly Invitae), Labcorp
Classification: Likely benign. Last evaluated: 2026-01-09. Review status: criteria provided, single submitter. Criteria: Invitae Variant Classification Sherloc (09022015). Collection method: clinical testing. Allele origin: germline.

PreventionGenetics, part of Exact Sciences
Classification: Likely benign for TG-related condition. Last evaluated: 2025-01-15. Review status: criteria provided, single submitter. Criteria: ACMG Guidelines, 2015. Collection method: clinical testing. Allele origin: germline.
Comment: This variant is classified as likely benign based on ACMG/AMP sequence variant interpretation guidelines (Richards et al. 2015 PMID: 25741868, with internal and published modifications).

Blueprint Genetics
Classification: Uncertain significance. Last evaluated: 2024-11-25. Review status: criteria provided, single submitter. Criteria: ACMG Guidelines, 2015. Collection method: clinical testing. Allele origin: germline.

Ambry Genetics
Classification: Likely benign for Inborn genetic diseases. Last evaluated: 2021-10-18. Review status: criteria provided, single submitter. Criteria: Ambry Variant Classification Scheme 2023. Collection method: clinical testing. Allele origin: germline.

Illumina Laboratory Services, Illumina
Classification: Uncertain significance for Iodotyrosyl coupling defect. Last evaluated: 2018-01-12. Review status: criteria provided, single submitter. Criteria: ICSL Variant Classification Criteria 13 December 2019. Collection method: clinical testing. Allele origin: germline.